The following is an entry in ClinVar:

NM_032043.3(BRIP1):c.2552A>G (p.Asn851Ser)

Gene: BRIP1 (BRCA1 interacting DNA helicase 1; minus strand). Cytogenetic location: 17q23.2.
Variant type: single nucleotide variant.
Coding change: c.2552A>G on transcript NM_032043.3 (MANE Select); coding-DNA position 2552, A replaced by G.
Protein change: p.Asn851Ser; replaces asparagine 851 with serine.
Molecular consequence: missense variant.
Genome position (GRCh38, 1-based): chr17:61,693,453, T>C on the plus strand (A>G on the coding strand, the complement: BRIP1 is on the minus strand). VCF-style: chr17-61693453-T-C. GRCh37 (hg19) VCF-style: chr17-59770814-T-C.
Other names: short protein forms N851S.
Identifiers: ClinVar variation 920713 (VCV000920713.9), dbSNP rs2061477443, ClinGen allele CA400482385.

ClinVar aggregate classification (germline): Conflicting classifications of pathogenicity. Review status: criteria provided, conflicting classifications (1 of 4 stars). 3 submissions from 3 submitters: Uncertain significance (2); Likely benign (1). Last evaluated 2024-07-30.

Conditions:
Familial cancer of breast. Also called: hereditary breast carcinoma; BREAST CANCER, FAMILIAL; Hereditary breast cancer. Identifiers: Orphanet 227535, MedGen C0346153, MONDO:0016419, OMIM 114480. Disease mechanism: loss of function.
Fanconi anemia complementation group J. Also called: BRIP1-Related Fanconi Anemia. Identifiers: Orphanet 84, MedGen C1836860, MONDO:0012187, OMIM 609054.
Hereditary cancer-predisposing syndrome. Also called: Hereditary Cancer Syndrome; Hereditary neoplastic syndrome; Neoplastic Syndromes, Hereditary; Tumor predisposition. Identifiers: Orphanet 140162, MedGen C0027672, MeSH D009386, MONDO:0015356.

Allele frequency attached by ClinVar (database versions not stated): gnomAD exomes below 0.00001.
gnomAD v4.1: 3 of 1,613,704 alleles (0.00019%); highest among the groups gnomAD compares: East Asian, 0.0022%; no homozygotes.

Submissions (3):

Labcorp Genetics (formerly Invitae), Labcorp
Classification: Uncertain significance for Familial cancer of breast; Fanconi anemia complementation group J. Last evaluated: 2024-07-30. Review status: criteria provided, single submitter. Criteria: Invitae Variant Classification Sherloc (09022015). Collection method: clinical testing. Allele origin: germline.
Comment: This sequence change replaces asparagine, which is neutral and polar, with serine, which is neutral and polar, at codon 851 of the BRIP1 protein (p.Asn851Ser). This variant is not present in population databases (gnomAD no frequency). This variant has not been reported in the literature in individuals affected with BRIP1-related conditions. ClinVar contains an entry for this variant (Variation ID: 920713). Advanced modeling of protein sequence and biophysical properties (such as structural, functional, and spatial information, amino acid conservation, physicochemical variation, residue mobility, and thermodynamic stability) performed at Invitae indicates that this missense variant is not expected to disrupt BRIP1 protein function with a negative predictive value of 80%. In summary, the available evidence is currently insufficient to determine the role of this variant in disease. Therefore, it has been classified as a Variant of Uncertain Significance.

Color Diagnostics, LLC DBA Color Health
Classification: Uncertain significance for Hereditary cancer-predisposing syndrome. Last evaluated: 2023-12-04. Review status: criteria provided, single submitter. Criteria: ACMG Guidelines, 2015. Collection method: clinical testing. Allele origin: germline.
Comment: This missense variant replaces asparagine with serine at codon 851 of the BRIP1 protein. Computational prediction suggests that this variant may not impact protein structure and function (internally defined REVEL score threshold <= 0.5, PMID: 27666373). To our knowledge, functional studies have not been reported for this variant. This variant has not been reported in individuals affected with BRIP1-related disorders in the literature. This variant has not been identified in the general population by the Genome Aggregation Database (gnomAD). The available evidence is insufficient to determine the role of this variant in disease conclusively. Therefore, this variant is classified as a Variant of Uncertain Significance.

Ambry Genetics
Classification: Likely benign for Hereditary cancer-predisposing syndrome. Last evaluated: 2023-08-01. Review status: criteria provided, single submitter. Criteria: Ambry Variant Classification Scheme 2023. Collection method: clinical testing. Allele origin: germline.